The following is an entry in ClinVar:

NM_018489.3(ASH1L):c.7358C>T (p.Ser2453Phe)

Gene: ASH1L (ASH1 like histone lysine methyltransferase; minus strand). Cytogenetic location: 1q22.
Variant type: single nucleotide variant.
Coding change: c.7358C>T on transcript NM_018489.3 (MANE Select); coding-DNA position 7358, C replaced by T.
Protein change: p.Ser2453Phe; replaces serine 2453 with phenylalanine.
Molecular consequence: missense variant.
Genome position (GRCh38, 1-based): chr1:155,352,714, G>A on the plus strand (C>T on the coding strand, the complement: ASH1L is on the minus strand). VCF-style: chr1-155352714-G-A. GRCh37 (hg19) VCF-style: chr1-155322505-G-A.
Other names: c.7373C>T, p.Ser2458Phe (NM_001366177.2); short protein forms S2458F, S2453F.
Identifiers: ClinVar variation 4721185 (VCV004721185.1).

ClinVar aggregate classification (germline): Uncertain significance (1 of 4 stars; one submission).

gnomAD v4.1: 1 of 1,602,896 alleles (0.000062%); highest among the groups gnomAD compares: Non-Finnish European, 0.000085%; no homozygotes.

Submission:

Labcorp Genetics (formerly Invitae), Labcorp
Classification: Uncertain significance. Last evaluated: 2025-06-11. Review status: criteria provided, single submitter. Criteria: Invitae Variant Classification Sherloc (09022015). Collection method: clinical testing. Allele origin: germline.
Comment: This sequence change replaces serine, which is neutral and polar, with phenylalanine, which is neutral and non-polar, at codon 2453 of the ASH1L protein (p.Ser2453Phe). This variant is not present in population databases (gnomAD no frequency). This variant has not been reported in the literature in individuals affected with ASH1L-related conditions. An algorithm developed to predict the effect of missense changes on protein structure and function (PolyPhen-2) suggests that this variant is likely to be disruptive. In summary, the available evidence is currently insufficient to determine the role of this variant in disease. Therefore, it has been classified as a Variant of Uncertain Significance.